The following is an entry in ClinVar:

ClinVar aggregate classification (germline): Uncertain significance (1 of 4 stars; one submission).

Conditions:
Acyl-CoA oxidase deficiency. Also called: Peroxisomal acyl-CoA oxidase deficiency; STRAIGHT-CHAIN ACYL-CoA OXIDASE DEFICIENCY; Pseudoneonatal adrenoleukodystrophy. Identifiers: Orphanet 2971, MedGen C1849678, MONDO:0009919, OMIM 264470. Disease mechanism: loss of function.

gnomAD v4.1: 21 of 1,613,922 alleles (0.0013%); highest among the groups gnomAD compares: East Asian, 0.045%; no homozygotes.

Submission:

Labcorp Genetics (formerly Invitae), Labcorp
Classification: Uncertain significance for Acyl-CoA oxidase deficiency. Last evaluated: 2024-09-23. Review status: criteria provided, single submitter. Criteria: Invitae Variant Classification Sherloc (09022015). Collection method: clinical testing. Allele origin: germline.
Comment: This sequence change replaces glutamine, which is neutral and polar, with arginine, which is basic and polar, at codon 657 of the ACOX1 protein (p.Gln657Arg). This variant is present in population databases (rs745801477, gnomAD 0.006%). This variant has not been reported in the literature in individuals affected with ACOX1-related conditions. An algorithm developed to predict the effect of missense changes on protein structure and function (PolyPhen-2) suggests that this variant is likely to be tolerated. In summary, the available evidence is currently insufficient to determine the role of this variant in disease. Therefore, it has been classified as a Variant of Uncertain Significance.

NM_004035.7(ACOX1):c.1970A>G (p.Gln657Arg)

Gene: ACOX1 (acyl-CoA oxidase 1; minus strand). Cytogenetic location: 17q25.1.
Variant type: single nucleotide variant.
Coding change: c.1970A>G on transcript NM_004035.7 (MANE Select); coding-DNA position 1970, A replaced by G.
Protein change: p.Gln657Arg; replaces glutamine 657 with arginine.
Molecular consequence: missense variant.
Genome position (GRCh38, 1-based): chr17:75,946,761, T>C on the plus strand (A>G on the coding strand, the complement: ACOX1 is on the minus strand). VCF-style: chr17-75946761-T-C. GRCh37 (hg19) VCF-style: chr17-73942842-T-C.
Other names: c.1856A>G, p.Gln619Arg (NM_001185039.2); c.1970A>G, p.Gln657Arg (NM_007292.6); short protein forms Q619R, Q657R.
Identifiers: ClinVar variation 3709012 (VCV003709012.2).